The following is an entry in ClinVar:

NM_000051.4(ATM):c.388G>T (p.Asp130Tyr)

Gene: ATM (ATM serine/threonine kinase; plus strand). Cytogenetic location: 11q22.3.
Variant type: single nucleotide variant.
Coding change: c.388G>T on transcript NM_000051.4 (MANE Select); coding-DNA position 388, G replaced by T.
Protein change: p.Asp130Tyr; replaces aspartic acid 130 with tyrosine.
Molecular consequence: missense variant.
Genome position (GRCh38, 1-based): chr11:108,235,726, G>T. VCF-style: chr11-108235726-G-T. GRCh37 (hg19) VCF-style: chr11-108106453-G-T.
Other names: c.388G>T, p.Asp130Tyr (NM_001351834.2); short protein forms D130Y.
Identifiers: ClinVar variation 3450980 (VCV003450980.1).

ClinVar aggregate classification (germline): Uncertain significance (1 of 4 stars; one submission).

Conditions:
Hereditary cancer-predisposing syndrome. Also called: Tumor predisposition; Neoplastic Syndromes, Hereditary; Hereditary neoplastic syndrome; Hereditary Cancer Syndrome. Identifiers: Orphanet 140162, MedGen C0027672, MeSH D009386, MONDO:0015356.

Submission:

Ambry Genetics
Classification: Uncertain significance for Hereditary cancer-predisposing syndrome. Last evaluated: 2024-09-16. Review status: criteria provided, single submitter. Criteria: Ambry Variant Classification Scheme 2023. Collection method: clinical testing. Allele origin: germline.
Comment: The p.D130Y variant (also known as c.388G>T), located in coding exon 4 of the ATM gene, results from a G to T substitution at nucleotide position 388. The aspartic acid at codon 130 is replaced by tyrosine, an amino acid with highly dissimilar properties. This amino acid position is well conserved in available vertebrate species. In addition, the in silico prediction for this alteration is inconclusive. Based on the available evidence, the clinical significance of this variant remains unclear.